The following is an entry in ClinVar:

NM_020247.5(COQ8A):c.1316G>A (p.Ser439Asn)

Gene: COQ8A (coenzyme Q8A; plus strand). Cytogenetic location: 1q42.13.
Variant type: single nucleotide variant.
Coding change: c.1316G>A on transcript NM_020247.5 (MANE Select); coding-DNA position 1316, G replaced by A.
Protein change: p.Ser439Asn; replaces serine 439 with asparagine.
Molecular consequence: missense variant.
Genome position (GRCh38, 1-based): chr1:226,984,153, G>A. VCF-style: chr1-226984153-G-A. GRCh37 (hg19) VCF-style: chr1-227171854-G-A.
Other names: short protein forms S439N.
Identifiers: ClinVar variation 1922297 (VCV001922297.5), dbSNP rs759748589, ClinGen allele CA1425437.
Genomic context (GRCh38, chr1:226,984,153, plus strand): 5'-GGGACCTGCTGAAGGGCCACCCCTTCTTCTATGTGCCTGAGATTGTGGATGAGCTCTGCA[G>A]CCCACATGTGCTGACCACAGAGCTGGTGTCTGGCTTCCCCCTGGACCAGGCCGAAGGGCT-3'
Protein context (NP_064632.2, residues 429-449): YVPEIVDELC[Ser439Asn]PHVLTTELVS

ClinVar aggregate classification (germline): Uncertain significance (1 of 4 stars; one submission).

Allele frequency attached by ClinVar (database versions not stated): ExAC 0.00001; gnomAD 0.00001; gnomAD exomes 0.00001; TOPMed 0.00002.
gnomAD v4.1: 10 of 1,613,780 alleles (0.00062%); highest among the groups gnomAD compares: African/African-American, 0.0067%; no homozygotes.

Submission:

Labcorp Genetics (formerly Invitae), Labcorp
Classification: Uncertain significance. Last evaluated: 2022-07-17. Review status: criteria provided, single submitter. Criteria: Invitae Variant Classification Sherloc (09022015). Collection method: clinical testing. Allele origin: germline.
Comment: In summary, the available evidence is currently insufficient to determine the role of this variant in disease. Therefore, it has been classified as a Variant of Uncertain Significance. Advanced modeling of protein sequence and biophysical properties (such as structural, functional, and spatial information, amino acid conservation, physicochemical variation, residue mobility, and thermodynamic stability) performed at Invitae indicates that this missense variant is not expected to disrupt COQ8A protein function. This variant has not been reported in the literature in individuals affected with COQ8A-related conditions. This variant is present in population databases (rs759748589, gnomAD 0.006%). This sequence change replaces serine, which is neutral and polar, with asparagine, which is neutral and polar, at codon 439 of the COQ8A protein (p.Ser439Asn).